The following is an entry in ClinVar:

NM_001126108.2(SLC12A3):c.2902C>A (p.Arg968=)

Gene: SLC12A3 (solute carrier family 12 member 3; plus strand). Cytogenetic location: 16q13.
Variant type: single nucleotide variant.
Coding change: c.2902C>A on transcript NM_001126108.2 (MANE Select); coding-DNA position 2902, C replaced by A.
Protein change: p.Arg968=; no amino-acid change (arginine 968 retained).
Molecular consequence: synonymous variant.
Genome position (GRCh38, 1-based): chr16:56,904,440, C>A. VCF-style: chr16-56904440-C-A. GRCh37 (hg19) VCF-style: chr16-56938352-C-A.
Other names: c.2929C>A, p.Arg977= (NM_000339.3); c.2926C>A, p.Arg976= (NM_001126107.2); c.2899C>A, p.Arg967= (NM_001410896.1).
Identifiers: ClinVar variation 2646552 (VCV002646552.24), dbSNP rs765609579, ClinGen allele CA8070140.

ClinVar aggregate classification (germline): Likely benign (1 of 4 stars; one submission).

gnomAD v4.1: 28 of 1,613,762 alleles (0.0017%); highest among the groups gnomAD compares: Admixed American, 0.017%; no homozygotes.

Submission:

CeGaT Center for Human Genetics Tuebingen
Classification: Likely benign. Last evaluated: 2023-10-01. Review status: criteria provided, single submitter. Criteria: CeGaT Center For Human Genetics Tuebingen Variant Classification Criteria Version 2. Collection method: clinical testing. Allele origin: germline. Affected: yes. Observed: 1 variant allele.
Comment: SLC12A3: BP4